The following is an entry in ClinVar:

NM_002691.4(POLD1):c.2621A>G (p.Asn874Ser)

Gene: POLD1 (DNA polymerase delta 1, catalytic subunit; plus strand). Cytogenetic location: 19q13.33.
Variant type: single nucleotide variant.
Coding change: c.2621A>G on transcript NM_002691.4 (MANE Select); coding-DNA position 2621, A replaced by G.
Protein change: p.Asn874Ser; replaces asparagine 874 with serine.
Molecular consequence: missense variant. On other transcripts: non-coding transcript variant (1).
Genome position (GRCh38, 1-based): chr19:50,415,494, A>G. VCF-style: chr19-50415494-A-G. GRCh37 (hg19) VCF-style: chr19-50918751-A-G.
Other names: c.2621A>G, p.Asn874Ser (NM_001256849.1); c.2699A>G, p.Asn900Ser (NM_001308632.1); short protein forms N900S, N874S.
Identifiers: ClinVar variation 650597 (VCV000650597.13), dbSNP rs1167958969, ClinGen allele CA406985456.

ClinVar aggregate classification (germline): Uncertain significance. Review status: criteria provided, multiple submitters, no conflicts (2 of 4 stars). 2 submissions from 2 submitters: Uncertain significance (2). Last evaluated 2025-01-10.

Conditions:
POLD1-related polyposis and colorectal cancer syndrome (CRCS10). Also called: Colorectal cancer, susceptibility to, 10; Colorectal cancer 10; COLORECTAL CANCER, SUSCEPTIBILITY TO, ON CHROMOSOME 19q. Identifiers: Orphanet 220460, MedGen C2675481, MONDO:0012953, OMIM 612591.
Hereditary cancer-predisposing syndrome. Also called: Hereditary neoplastic syndrome; Tumor predisposition; Hereditary Cancer Syndrome; Neoplastic Syndromes, Hereditary. Identifiers: Orphanet 140162, MedGen C0027672, MeSH D009386, MONDO:0015356.

Allele frequency attached by ClinVar (database versions not stated): gnomAD exomes below 0.00001.
gnomAD v4.1: 1 of 1,613,336 alleles (0.000062%); highest among the groups gnomAD compares: Non-Finnish European, 0.000085%; no homozygotes.

Submissions (2):

Labcorp Genetics (formerly Invitae), Labcorp
Classification: Uncertain significance for POLD1-related polyposis and colorectal cancer syndrome. Last evaluated: 2025-01-10. Review status: criteria provided, single submitter. Criteria: Invitae Variant Classification Sherloc (09022015). Collection method: clinical testing. Allele origin: germline.
Comment: This sequence change replaces asparagine, which is neutral and polar, with serine, which is neutral and polar, at codon 874 of the POLD1 protein (p.Asn874Ser). This variant is present in population databases (no rsID available, gnomAD 0.0009%). This variant has not been reported in the literature in individuals affected with POLD1-related conditions. ClinVar contains an entry for this variant (Variation ID: 650597). Invitae Evidence Modeling of protein sequence and biophysical properties (such as structural, functional, and spatial information, amino acid conservation, physicochemical variation, residue mobility, and thermodynamic stability) indicates that this missense variant is not expected to disrupt POLD1 protein function with a negative predictive value of 80%. In summary, the available evidence is currently insufficient to determine the role of this variant in disease. Therefore, it has been classified as a Variant of Uncertain Significance.

Ambry Genetics
Classification: Uncertain significance for Hereditary cancer-predisposing syndrome. Last evaluated: 2021-08-21. Review status: criteria provided, single submitter. Criteria: Ambry Variant Classification Scheme 2023. Collection method: clinical testing. Allele origin: germline.
Comment: The p.N874S variant (also known as c.2621A>G), located in coding exon 20 of the POLD1 gene, results from an A to G substitution at nucleotide position 2621. The asparagine at codon 874 is replaced by serine, an amino acid with highly similar properties. This amino acid position is conserved. In addition, this alteration is predicted to be tolerated by in silico analysis. Since supporting evidence is limited at this time, the clinical significance of this alteration remains unclear.